The following is an entry in ClinVar:

NC_000018.9:g.(?_77156225)_(77287530_?)dup

Gene: NFATC1 (nuclear factor of activated T cells 1; plus strand). Cytogenetic location: 18q23.
Variant type: Duplication.
Identifiers: ClinVar variation 1447301 (VCV001447301.6).

ClinVar aggregate classification (germline): Uncertain significance (1 of 4 stars; one submission).

Submission:

Labcorp Genetics (formerly Invitae), Labcorp
Classification: Uncertain significance. Last evaluated: 2022-11-28. Review status: criteria provided, single submitter. Criteria: Invitae Variant Classification Sherloc (09022015). Collection method: clinical testing. Allele origin: germline.
Comment: In summary, the available evidence is currently insufficient to determine the role of this variant in disease. Therefore, it has been classified as a Variant of Uncertain Significance. Isolated whole-gene copy number gains of NFATC1 have not been reported in the literature. However, larger copy number events that include this gene have been reported (PMID: 24115576). A copy number gain of the genomic region encompassing the full coding sequence of the NFATC1 gene has been identified. The boundaries of this event are unknown as they extend beyond the assayed region for this gene and therefore may encompass additional genes. As the precise location of this event is unknown, it may be in tandem or it may be located elsewhere in the genome.

Literature cited by the submitters: PubMed 24115576.